The following is an entry in ClinVar:

ClinVar aggregate classification (germline): Uncertain significance (1 of 4 stars; one submission).

Submission:

Labcorp Genetics (formerly Invitae), Labcorp
Classification: Uncertain significance. Last evaluated: 2025-02-20. Review status: criteria provided, single submitter. Criteria: Invitae Variant Classification Sherloc (09022015). Collection method: clinical testing. Allele origin: germline.
Comment: This sequence change replaces phenylalanine, which is neutral and non-polar, with valine, which is neutral and non-polar, at codon 17 of the SI protein (p.Phe17Val). This variant is not present in population databases (gnomAD no frequency). This variant has not been reported in the literature in individuals affected with SI-related conditions. Invitae Evidence Modeling of protein sequence and biophysical properties (such as structural, functional, and spatial information, amino acid conservation, physicochemical variation, residue mobility, and thermodynamic stability) indicates that this missense variant is not expected to disrupt SI protein function with a negative predictive value of 95%. In summary, the available evidence is currently insufficient to determine the role of this variant in disease. Therefore, it has been classified as a Variant of Uncertain Significance.

NM_001041.4(SI):c.49T>G (p.Phe17Val)

Gene: SI (sucrase-isomaltase; minus strand). Cytogenetic location: 3q26.1.
Variant type: single nucleotide variant.
Coding change: c.49T>G on transcript NM_001041.4 (MANE Select); coding-DNA position 49, T replaced by G.
Protein change: p.Phe17Val; replaces phenylalanine 17 with valine.
Molecular consequence: missense variant.
Genome position (GRCh38, 1-based): chr3:165,075,964, A>C on the plus strand (T>G on the coding strand, the complement: SI is on the minus strand). VCF-style: chr3-165075964-A-C. GRCh37 (hg19) VCF-style: chr3-164793752-A-C.
Other names: short protein forms F17V.
Identifiers: ClinVar variation 4707581 (VCV004707581.1).
Genomic context (GRCh38, chr3:165,075,964, plus strand): 5'-CAGGTGTCTTAGTTGCTAAAACAACAATTAAGGCAATAGCTATTATAGTAACTATGACAA[A>C]AAGGACAATCAGAGAGATTTCCAATCCACTAAATTTCTTTCTTGCCATCTAAAAACAGAA-3'
Protein context (NP_001032.2, residues 7-27): SGLEISLIVL[Phe17Val]VIVTIIAIAL